The following is an entry in ClinVar:

ClinVar aggregate classification (germline): Uncertain significance (1 of 4 stars; one submission).

Conditions:
Ehlers-Danlos syndrome, classic type, 1 (EDSCL1). Also called: EHLERS-DANLOS SYNDROME, GRAVIS TYPE; EHLERS-DANLOS SYNDROME, SEVERE CLASSIC TYPE; Ehlers-Danlos syndrome, type 1; Ehlers-Danlos Syndrome, Classic Type, COL5A1-Related; EDS I. Identifiers: MedGen C0268335, MONDO:0019567, OMIM 130000.

Allele frequency attached by ClinVar (database versions not stated): TOPMed below 0.00001.

Submission:

Labcorp Genetics (formerly Invitae), Labcorp
Classification: Uncertain significance for Ehlers-Danlos syndrome, classic type, 1. Last evaluated: 2021-07-13. Review status: criteria provided, single submitter. Criteria: Invitae Variant Classification Sherloc (09022015). Collection method: clinical testing. Allele origin: germline.
Comment: This sequence change replaces proline with serine at codon 1113 of the COL5A1 protein (p.Pro1113Ser). The proline residue is highly conserved and there is a moderate physicochemical difference between proline and serine. This variant is not present in population databases (ExAC no frequency). This variant has not been reported in the literature in individuals affected with COL5A1-related conditions. Advanced modeling of protein sequence and biophysical properties (such as structural, functional, and spatial information, amino acid conservation, physicochemical variation, residue mobility, and thermodynamic stability) performed at Invitae indicates that this missense variant is not expected to disrupt COL5A1 protein function. In summary, the available evidence is currently insufficient to determine the role of this variant in disease. Therefore, it has been classified as a Variant of Uncertain Significance.

NM_000093.5(COL5A1):c.3337C>T (p.Pro1113Ser)

Gene: COL5A1 (collagen type V alpha 1 chain; plus strand). Cytogenetic location: 9q34.3.
Variant type: single nucleotide variant.
Coding change: c.3337C>T on transcript NM_000093.5 (MANE Select); coding-DNA position 3337, C replaced by T.
Protein change: p.Pro1113Ser; replaces proline 1113 with serine.
Molecular consequence: missense variant.
Genome position (GRCh38, 1-based): chr9:134,806,267, C>T. VCF-style: chr9-134806267-C-T. GRCh37 (hg19) VCF-style: chr9-137698113-C-T.
Other names: c.3337C>T, p.Pro1113Ser (NM_001278074.1); short protein forms P1113S.
Identifiers: ClinVar variation 1397884 (VCV001397884.8), dbSNP rs1342258419, ClinGen allele CA375451770.